The following is an entry in ClinVar:

NM_017780.4(CHD7):c.1281T>A (p.Tyr427Ter)

Gene: CHD7 (chromodomain helicase DNA binding protein 7; plus strand). Cytogenetic location: 8q12.2.
Variant type: single nucleotide variant.
Coding change: c.1281T>A on transcript NM_017780.4 (MANE Select); coding-DNA position 1281, T replaced by A.
Protein change: p.Tyr427Ter; replaces tyrosine 427 with a stop codon.
Molecular consequence: nonsense.
Genome position (GRCh38, 1-based): chr8:60,742,713, T>A. VCF-style: chr8-60742713-T-A. GRCh37 (hg19) VCF-style: chr8-61655272-T-A.
Other names: c.1281T>A (LRG_176t1); c.1281T>A, p.Tyr427Ter (NM_001316690.1); short protein forms Y427*.
Identifiers: ClinVar variation 379337 (VCV000379337.2), dbSNP rs373942842, ClinGen allele CA16605492.
Genomic context (GRCh38, chr8:60,742,713, plus strand): 5'-CACTCCTCCTCCACAAGTCAGGCCGGGAAGTGCTGGGATACCAATGGAAGTTGGCAGTTA[T>A]CCAAATATGCCCCATCCTCAGCCATCTCACCAGCCCCCTGGTGCCATGGGAATCGGACAG-3'

ClinVar aggregate classification (germline): Pathogenic (1 of 4 stars; one submission).

Submission:

GeneDx
Classification: Pathogenic. Last evaluated: 2015-03-20. Review status: criteria provided, single submitter. Criteria: GeneDx Variant Classification (06012015). Collection method: clinical testing. Allele origin: germline. Affected: yes.
Comment: The Y427X nonsense variant in the CHD7 gene is predicted to cause loss of normalprotein function either through protein truncation or nonsense-mediated mRNA decay.Although this variant has not been reported previously to our knowledge, we interpret it as pathogenic.